The following is an entry in ClinVar:

NM_001384140.1(PCDH15):c.4671+1687G>A

Gene: PCDH15 (protocadherin related 15; minus strand). Cytogenetic location: 10q21.1.
Variant type: single nucleotide variant.
Coding change: c.4671+1687G>A on transcript NM_001384140.1 (MANE Select); 1687 bases into the intron after coding-DNA position 4671, G replaced by A.
Molecular consequence: intron variant. On other transcripts: synonymous variant (2), 3 prime UTR variant (1).
Genome position (GRCh38, 1-based): chr10:53,808,869, C>T on the plus strand (G>A on the coding strand, the complement: PCDH15 is on the minus strand). VCF-style: chr10-53808869-C-T. GRCh37 (hg19) VCF-style: chr10-55568629-C-T.
Other names: c.5196G>A, p.Ser1732= (NM_001142769.4); c.*611G>A (NM_001142770.3); c.5175G>A, p.Ser1725= (NM_001354411.2); c.4476+1687G>A (NM_001354420.2); c.4605+1687G>A (NM_001354429.2); c.4482+1687G>A (NM_001142772.2); c.4497+1687G>A (NM_001142771.2).
Identifiers: ClinVar variation 4978091 (VCV004978091.1).

ClinVar aggregate classification (germline): Likely benign (1 of 4 stars; one submission).

Conditions:
PCDH15-related disorder. Also called: PCDH15-related condition; PCDH15-related disorders.

gnomAD v4.1: 36 of 1,605,136 alleles (0.0022%); highest among the groups gnomAD compares: Admixed American, 0.017%; no homozygotes.

Submission:

PreventionGenetics, part of Exact Sciences
Classification: Likely benign for PCDH15-related condition. Last evaluated: 2025-11-26. Review status: criteria provided, single submitter. Criteria: ACMG Guidelines, 2015. Collection method: clinical testing. Allele origin: germline.
Comment: This variant is classified as likely benign based on ACMG/AMP sequence variant interpretation guidelines (Richards et al. 2015 PMID: 25741868, with internal and published modifications).